The following is an entry in ClinVar:

NM_003240.5(LEFTY2):c.791G>A (p.Cys264Tyr)

Gene: LEFTY2 (left-right determination factor 2; minus strand). Cytogenetic location: 1q42.12.
Variant type: single nucleotide variant.
Coding change: c.791G>A on transcript NM_003240.5 (MANE Select); coding-DNA position 791, G replaced by A.
Protein change: p.Cys264Tyr; replaces cysteine 264 with tyrosine.
Molecular consequence: missense variant.
Genome position (GRCh38, 1-based): chr1:225,937,751, C>T on the plus strand (G>A on the coding strand, the complement: LEFTY2 is on the minus strand). VCF-style: chr1-225937751-C-T. GRCh37 (hg19) VCF-style: chr1-226125451-C-T.
Other names: c.689G>A, p.Cys230Tyr (NM_001172425.3); short protein forms C230Y, C264Y.
Identifiers: ClinVar variation 2037768 (VCV002037768.4), dbSNP rs554256494, ClinGen allele CA1420475.

ClinVar aggregate classification (germline): Uncertain significance (1 of 4 stars; one submission).

Conditions:
Left-right axis malformations. Identifiers: MedGen C1866091.

Allele frequency attached by ClinVar (database versions not stated): gnomAD exomes below 0.00001; gnomAD 0.00001; ExAC 0.00002; TOPMed 0.00002; 1000 Genomes Project 30x 0.00016; 1000 Genomes Project 0.00020.
gnomAD v4.1: 4 of 1,611,308 alleles (0.00025%); highest among the groups gnomAD compares: African/African-American, 0.004%; no homozygotes.

Submission:

Labcorp Genetics (formerly Invitae), Labcorp
Classification: Uncertain significance for Left-right axis malformations. Last evaluated: 2022-10-17. Review status: criteria provided, single submitter. Criteria: Invitae Variant Classification Sherloc (09022015). Collection method: clinical testing. Allele origin: germline.
Comment: This sequence change replaces cysteine, which is neutral and slightly polar, with tyrosine, which is neutral and polar, at codon 264 of the LEFTY2 protein (p.Cys264Tyr). This variant is present in population databases (rs554256494, gnomAD 0.01%). This variant has not been reported in the literature in individuals affected with LEFTY2-related conditions. Advanced modeling of protein sequence and biophysical properties (such as structural, functional, and spatial information, amino acid conservation, physicochemical variation, residue mobility, and thermodynamic stability) performed at Invitae indicates that this missense variant is expected to disrupt LEFTY2 protein function. In summary, the available evidence is currently insufficient to determine the role of this variant in disease. Therefore, it has been classified as a Variant of Uncertain Significance.